The following is an entry in ClinVar:

ClinVar aggregate classification (germline): Benign/Likely benign. Review status: criteria provided, multiple submitters, no conflicts (2 of 4 stars). 4 submissions from 4 submitters: Benign (1); Likely benign (3). Last evaluated 2025-12-30.

Conditions:
Congenital stationary night blindness 1E. Also called: Night blindness, congenital stationary (complete), 1E, autosomal recessive. Identifiers: Orphanet 215, MedGen C3281215, MONDO:0013807, OMIM 614565.

Allele frequency attached by ClinVar (database versions not stated): gnomAD exomes 0.00020 and 0.00052; ExAC 0.00069; ESP Exome Variant Server 0.00146; 1000 Genomes Project 0.00160; gnomAD 0.00174 and 0.00183; TOPMed 0.00179; 1000 Genomes Project 30x 0.00219.
gnomAD v4.1: 572 of 1,612,668 alleles (0.035%); highest among the groups gnomAD compares: African/African-American, 0.62%; 5 homozygotes.

Submissions (4):

Labcorp Genetics (formerly Invitae), Labcorp
Classification: Benign. Last evaluated: 2025-12-30. Review status: criteria provided, single submitter. Criteria: Invitae Variant Classification Sherloc (09022015). Collection method: clinical testing. Allele origin: germline.

Blueprint Genetics
Classification: Likely benign. Last evaluated: 2024-09-27. Review status: criteria provided, single submitter. Criteria: ACMG Guidelines, 2015. Collection method: clinical testing. Allele origin: germline.

CeGaT Center for Human Genetics Tuebingen
Classification: Likely benign. Last evaluated: 2022-12-01. Review status: criteria provided, single submitter. Criteria: CeGaT Center For Human Genetics Tuebingen Variant Classification Criteria Version 2. Collection method: clinical testing. Allele origin: germline. Affected: yes. Observed: 1 variant allele.
Comment: GPR179: BP4, BP7, BS2

Illumina Laboratory Services, Illumina
Classification: Likely benign for Congenital stationary night blindness 1E. Last evaluated: 2018-01-13. Review status: criteria provided, single submitter. Criteria: ICSL Variant Classification Criteria 13 December 2019. Collection method: clinical testing. Allele origin: germline.
Comment: This variant was observed in the ICSL laboratory as part of a predisposition screen in an ostensibly healthy population. It had not been previously curated by ICSL or reported in the Human Gene Mutation Database (HGMD: prior to June 1st, 2018), and was therefore a candidate for classification through an automated scoring system. Utilizing variant allele frequency, disease prevalence and penetrance estimates, and inheritance mode, an automated score was calculated to assess if this variant is too frequent to cause the disease. Based on the score and internal cut-off values, a variant classified as likely benign is not then subjected to further curation. The score for this variant resulted in a classification of likely benign for this disease.

NM_001004334.4(GPR179):c.1029C>T (p.Phe343=)

Gene: GPR179 (G protein-coupled receptor 179; minus strand). Cytogenetic location: 17q12.
Variant type: single nucleotide variant.
Coding change: c.1029C>T on transcript NM_001004334.4 (MANE Select); coding-DNA position 1029, C replaced by T.
Protein change: p.Phe343=; no amino-acid change (phenylalanine 343 retained).
Molecular consequence: synonymous variant.
Genome position (GRCh38, 1-based): chr17:38,337,176, G>A on the plus strand (C>T on the coding strand, the complement: GPR179 is on the minus strand). VCF-style: chr17-38337176-G-A. GRCh37 (hg19) VCF-style: chr17-36493059-G-A.
Identifiers: ClinVar variation 891150 (VCV000891150.37), dbSNP rs149830172, ClinGen allele CA290109438.